The following is an entry in ClinVar:

ClinVar aggregate classification (germline): Uncertain significance (1 of 4 stars; one submission).

Submission:

Labcorp Genetics (formerly Invitae), Labcorp
Classification: Uncertain significance. Last evaluated: 2025-04-23. Review status: criteria provided, single submitter. Criteria: Invitae Variant Classification Sherloc (09022015). Collection method: clinical testing. Allele origin: germline.
Comment: This sequence change replaces arginine, which is basic and polar, with leucine, which is neutral and non-polar, at codon 277 of the CCDC8 protein (p.Arg277Leu). This variant is present in population databases (no rsID available, gnomAD 0.003%). This variant has not been reported in the literature in individuals affected with CCDC8-related conditions. ClinVar contains an entry for this variant (Variation ID: 1512494). An algorithm developed to predict the effect of missense changes on protein structure and function outputs the following: PolyPhen-2: "Benign". The leucine amino acid residue is found in multiple mammalian species, which suggests that this missense change does not adversely affect protein function. In summary, the available evidence is currently insufficient to determine the role of this variant in disease. Therefore, it has been classified as a Variant of Uncertain Significance.

NM_032040.5(CCDC8):c.830G>T (p.Arg277Leu)

Gene: CCDC8 (coiled-coil domain containing 8 subunit of 3M complex; minus strand). Cytogenetic location: 19q13.32.
Variant type: single nucleotide variant.
Coding change: c.830G>T on transcript NM_032040.5 (MANE Select); coding-DNA position 830, G replaced by T.
Protein change: p.Arg277Leu; replaces arginine 277 with leucine.
Molecular consequence: missense variant.
Genome position (GRCh38, 1-based): chr19:46,411,981, C>A on the plus strand (G>T on the coding strand, the complement: CCDC8 is on the minus strand). VCF-style: chr19-46411981-C-A. GRCh37 (hg19) VCF-style: chr19-46915238-C-A.
Other names: short protein forms R277L.
Identifiers: ClinVar variation 1512494 (VCV001512494.6), dbSNP rs897101889, ClinGen allele CA9528613.